The following is an entry in ClinVar:

ClinVar aggregate classification (germline): Uncertain significance (1 of 4 stars; one submission).

Conditions:
Autosomal recessive polycystic kidney disease (ARPKD). Also called: AR polycystic kidney disease. Identifiers: Orphanet 731, Orphanet 8378, MedGen C0085548, MeSH D017044, MONDO:0009889.

Submission:

Labcorp Genetics (formerly Invitae), Labcorp
Classification: Uncertain significance for Autosomal recessive polycystic kidney disease. Last evaluated: 2025-06-12. Review status: criteria provided, single submitter. Criteria: Invitae Variant Classification Sherloc (09022015). Collection method: clinical testing. Allele origin: germline.
Comment: This variant, c.2729_2731delinsCTC, is a complex sequence change that results in the deletion of 2 and insertion of 2 amino acid(s) in the PKHD1 protein (p.Val910_Asn911delinsAlaHis). Information on the frequency of this variant in the gnomAD database is not available, as this variant may be reported differently in the database. This variant has not been reported in the literature in individuals affected with PKHD1-related conditions. ClinVar contains an entry for this variant (Variation ID: 1421619). Experimental studies and prediction algorithms are not available or were not evaluated, and the functional significance of this variant is currently unknown. In summary, the available evidence is currently insufficient to determine the role of this variant in disease. Therefore, it has been classified as a Variant of Uncertain Significance.

NM_138694.4(PKHD1):c.2729_2731delinsCTC (p.Val910_Asn911delinsAlaHis)

Gene: PKHD1 (PKHD1 ciliary IPT domain containing fibrocystin/polyductin; minus strand). Cytogenetic location: 6p12.2.
Variant type: Indel.
Coding change: c.2729_2731delinsCTC on transcript NM_138694.4 (MANE Select); coding-DNA positions 2729 to 2731, TGA replaced by CTC.
Protein change: p.Val910_Asn911delinsAlaHis.
Molecular consequence: missense variant.
Genome position (GRCh38, 1-based): chr6:52,043,715-52,043,717, TCA replaced by GAG on the plus strand (TGA replaced by CTC on the coding strand, the reverse complement: PKHD1 is on the minus strand). VCF-style: chr6-52043715-TCA-GAG. GRCh37 (hg19) VCF-style: chr6-51908513-TCA-GAG.
Other names: c.2729_2731delinsCTC, p.Val910_Asn911delinsAlaHis (NM_170724.3).
Identifiers: ClinVar variation 1421619 (VCV001421619.6), dbSNP rs2128184229, ClinGen allele CA2573140966.